The following is an entry in ClinVar:

ClinVar aggregate classification (germline): Uncertain significance. Review status: criteria provided, multiple submitters, no conflicts (2 of 4 stars). 2 submissions from 2 submitters: Uncertain significance (2). Last evaluated 2023-04-15.

Conditions:
Inborn genetic diseases. Identifiers: MedGen C0950123, MeSH D030342.

Allele frequency attached by ClinVar (database versions not stated): gnomAD exomes below 0.00001; TOPMed below 0.00001; gnomAD 0.00001.
gnomAD v4.1: 2 of 1,607,600 alleles (0.00012%); highest among the groups gnomAD compares: Non-Finnish European, 0.00017%; no homozygotes.

Submissions (2):

Labcorp Genetics (formerly Invitae), Labcorp
Classification: Uncertain significance. Last evaluated: 2023-04-15. Review status: criteria provided, single submitter. Criteria: Invitae Variant Classification Sherloc (09022015). Collection method: clinical testing. Allele origin: germline.
Comment: This sequence change replaces proline, which is neutral and non-polar, with alanine, which is neutral and non-polar, at codon 2642 of the ATR protein (p.Pro2642Ala). In summary, the available evidence is currently insufficient to determine the role of this variant in disease. Therefore, it has been classified as a Variant of Uncertain Significance. An algorithm developed to predict the effect of missense changes on protein structure and function (PolyPhen-2) suggests that this variant is likely to be disruptive. ClinVar contains an entry for this variant (Variation ID: 1761244). This variant has not been reported in the literature in individuals affected with ATR-related conditions. This variant is not present in population databases (gnomAD no frequency).

Ambry Genetics
Classification: Uncertain significance for Inborn genetic diseases. Last evaluated: 2023-02-27. Review status: criteria provided, single submitter. Criteria: Ambry Variant Classification Scheme 2023. Collection method: clinical testing. Allele origin: germline.

NM_001184.4(ATR):c.7924C>G (p.Pro2642Ala)

Gene: ATR (ATR checkpoint kinase; minus strand). Cytogenetic location: 3q23.
Variant type: single nucleotide variant.
Coding change: c.7924C>G on transcript NM_001184.4 (MANE Select); coding-DNA position 7924, C replaced by G.
Protein change: p.Pro2642Ala; replaces proline 2642 with alanine.
Molecular consequence: missense variant.
Genome position (GRCh38, 1-based): chr3:142,449,440, G>C on the plus strand (C>G on the coding strand, the complement: ATR is on the minus strand). VCF-style: chr3-142449440-G-C. GRCh37 (hg19) VCF-style: chr3-142168282-G-C.
Other names: c.7732C>G, p.Pro2578Ala (NM_001354579.2); short protein forms P2578A, P2642A.
Identifiers: ClinVar variation 1761244 (VCV001761244.7), dbSNP rs2070728554, ClinGen allele CA354793633.